The following is an entry in ClinVar:

ClinVar aggregate classification (germline): Pathogenic. Review status: reviewed by expert panel (3 of 4 stars). 3 submissions from 3 submitters: Pathogenic (1). 2 of the submissions do not count toward it. Last evaluated 2016-10-18.

Conditions:
Hereditary breast ovarian cancer syndrome. Also called: Hereditary breast and ovarian cancer; Hereditary breast and ovarian cancer syndrome (HBOC); Hereditary breast and/or ovarian cancer syndrome; Breast and ovarian cancer; Hereditary breast and ovarian cancer syndrome; BRCA1- and BRCA2-Associated Hereditary Breast and Ovarian Cancer. Identifiers: Orphanet 145, MedGen C0677776, MeSH D061325, MONDO:0003582. Disease mechanism: loss of function.
Breast-ovarian cancer, familial, susceptibility to, 2 (BROVCA2). Also called: BRCA2 Hereditary Breast and Ovarian Cancer. Identifiers: Orphanet 145, MedGen C2675520, MONDO:0012933, OMIM 612555. Disease mechanism: loss of function.

Submissions (3):

Evidence-based Network for the Interpretation of Germline Mutant Alleles (ENIGMA)
Classification: Pathogenic for Breast-ovarian cancer, familial, susceptibility to, 2. Last evaluated: 2016-10-18. Review status: reviewed by expert panel. Criteria: ENIGMA BRCA1/2 Classification Criteria (2015). Collection method: curation. Allele origin: germline.
Comment: Variant allele predicted to encode a truncated non-functional protein.

Consortium of Investigators of Modifiers of BRCA1/2 (CIMBA), c/o University of Cambridge
Classification: Pathogenic for Breast-ovarian cancer, familial, susceptibility to, 2. Last evaluated: 2015-10-02. Review status: criteria provided, single submitter. Criteria: CIMBA Mutation Classification guidelines May 2016. Collection method: clinical testing. Allele origin: germline. Not counted in ClinVar's aggregate classification.

Department of Pathology and Laboratory Medicine, Sinai Health System
Classification: Likely pathogenic for Hereditary breast ovarian cancer syndrome. Review status: criteria provided, single submitter. Criteria: ACMG Guidelines, 2015. Collection method: clinical testing. Allele origin: germline. Affected: yes. Study: The Canadian Open Genetics Repository (COGR). Not counted in ClinVar's aggregate classification.

NM_000059.4(BRCA2):c.2593G>T (p.Glu865Ter)

Gene: BRCA2 (BRCA2 DNA repair associated; plus strand). Cytogenetic location: 13q13.1.
Variant type: single nucleotide variant.
Coding change: c.2593G>T on transcript NM_000059.4 (MANE Select); coding-DNA position 2593, G replaced by T.
Protein change: p.Glu865Ter; replaces glutamic acid 865 with a stop codon.
Molecular consequence: nonsense.
Genome position (GRCh38, 1-based): chr13:32,336,948, G>T. VCF-style: chr13-32336948-G-T. GRCh37 (hg19) VCF-style: chr13-32911085-G-T.
Other names: 2821G>T (E865X); short protein forms E865*.
Identifiers: ClinVar variation 266711 (VCV000266711.5), dbSNP rs587782014, ClinGen allele CA10589164.